The following is an entry in ClinVar:

ClinVar aggregate classification (germline): Uncertain significance (1 of 4 stars; one submission).

Submission:

GeneDx
Classification: Uncertain significance. Last evaluated: 2019-05-14. Review status: criteria provided, single submitter. Criteria: GeneDx Variant Classification Process June 2021. Collection method: clinical testing. Allele origin: germline. Affected: yes.
Comment: Has not been previously published as pathogenic or benign to our knowledge; Not observed in large population cohorts (Lek et al., 2016); In silico analysis, which includes protein predictors and evolutionary conservation, supports that this variant does not alter protein structure/function

NM_025233.7(COASY):c.352T>C (p.Phe118Leu)

Gene: COASY (Coenzyme A synthase; plus strand). Cytogenetic location: 17q21.2.
Variant type: single nucleotide variant.
Coding change: c.352T>C on transcript NM_025233.7 (MANE Select); coding-DNA position 352, T replaced by C.
Protein change: p.Phe118Leu; replaces phenylalanine 118 with leucine.
Molecular consequence: missense variant.
Genome position (GRCh38, 1-based): chr17:42,562,974, T>C. VCF-style: chr17-42562974-T-C. GRCh37 (hg19) VCF-style: chr17-40714992-T-C.
Other names: c.352T>C, p.Phe118Leu (NM_001042529.3); c.439T>C, p.Phe147Leu (NM_001042532.4); short protein forms F118L, F147L.
Identifiers: ClinVar variation 1303689 (VCV001303689.2), dbSNP rs2143195037, ClinGen allele CA399617607.
Genomic context (GRCh38, chr17:42,562,974, plus strand): 5'-CCTCCCCTGCCCACCTCAGTCCAGAATCTCGCCCACCCGCCAGAAGTCGTGTTGACAGAT[T>C]TCCAGACCCTGGATGGAAGCCAGTACAACCCGGTCAAACAGCAGCTAGTGCGTTACGCCA-3'
Protein context (NP_079509.5, residues 108-128): AHPPEVVLTD[Phe118Leu]QTLDGSQYNP